The following is an entry in ClinVar:

NM_001244008.2(KIF1A):c.789G>A (p.Thr263=)

Gene: KIF1A (kinesin family member 1A; minus strand). Cytogenetic location: 2q37.3.
Variant type: single nucleotide variant.
Coding change: c.789G>A on transcript NM_001244008.2 (MANE Select); coding-DNA position 789, G replaced by A.
Protein change: p.Thr263=; no amino-acid change (threonine 263 retained).
Molecular consequence: synonymous variant.
Genome position (GRCh38, 1-based): chr2:240,783,748, C>T on the plus strand (G>A on the coding strand, the complement: KIF1A is on the minus strand). VCF-style: chr2-240783748-C-T. GRCh37 (hg19) VCF-style: chr2-241723165-C-T.
Other names: c.789G>A, p.Thr263= (NM_001320705.2, NM_001330289.2, NM_001330290.2 and 20 more transcripts).
Identifiers: ClinVar variation 706564 (VCV000706564.38), dbSNP rs368610026, ClinGen allele CA2208665.
Genomic context (GRCh38, chr2:240,783,748, plus strand): 5'-GGAGCAGGCCAAATGTGGACACGGGTCCCCGCATGGCGGCCTGGCCCCTACCTTGAGGCG[C>T]GTGCCCTTGGCTCCCGTGGAGTCAGCCCGCTCGCTCCCAGCCAGGTCCACCAGGCTGATT-3'
Protein context (NP_001230937.1, residues 253-273): ERADSTGAKG[Thr263=]RLKEGANINK

ClinVar aggregate classification (germline): Conflicting classifications of pathogenicity. Review status: criteria provided, conflicting classifications (1 of 4 stars). 3 submissions from 3 submitters: Uncertain significance (1); Likely benign (2). Last evaluated 2025-10-01.

Conditions:
Neuropathy, hereditary sensory, type 2C. Also called: KIF1A-Related HSAN2 (HSAN2C); Hereditary sensory and autonomic neuropathy type IIC. Identifiers: Orphanet 970, MedGen C3280168, MONDO:0013634, OMIM 614213.
Intellectual disability, autosomal dominant 9 (NESCAVS). Also called: NESCAV SYNDROME; KIF1A-Related Neurodevelopmental Disorder. Identifiers: Orphanet 662367, MedGen C5393830, MONDO:0013656, OMIM 614255.
Hereditary spastic paraplegia 30. Identifiers: Orphanet 101010, MedGen C5235139, MONDO:0012476.

Allele frequency attached by ClinVar (database versions not stated): gnomAD 0.00004; gnomAD exomes 0.00004; TOPMed 0.00006; ESP Exome Variant Server 0.00016; ExAC 0.00020.
gnomAD v4.1: 38 of 1,574,238 alleles (0.0024%); highest among the groups gnomAD compares: Non-Finnish European, 0.003%; no homozygotes.

Submissions (3):

Labcorp Genetics (formerly Invitae), Labcorp
Classification: Likely benign for Hereditary spastic paraplegia 30; Neuropathy, hereditary sensory, type 2C; Intellectual disability, autosomal dominant 9. Last evaluated: 2025-10-01. Review status: criteria provided, single submitter. Criteria: Invitae Variant Classification Sherloc (09022015). Collection method: clinical testing. Allele origin: germline.

CeGaT Center for Human Genetics Tuebingen
Classification: Likely benign. Last evaluated: 2024-05-01. Review status: criteria provided, single submitter. Criteria: CeGaT Center For Human Genetics Tuebingen Variant Classification Criteria Version 2. Collection method: clinical testing. Allele origin: germline. Affected: yes. Observed: 2 variant alleles.
Comment: KIF1A: BP4, BP7

Illumina Laboratory Services, Illumina
Classification: Uncertain significance for Spastic paraplegia 30A, autosomal dominant. Last evaluated: 2018-01-13. Review status: criteria provided, single submitter. Criteria: ICSL Variant Classification Criteria 13 December 2019. Collection method: clinical testing. Allele origin: germline.